The following is an entry in ClinVar:

NM_000718.4(CACNA1B):c.4222G>A (p.Val1408Ile)

Gene: CACNA1B (calcium voltage-gated channel subunit alpha1 B; plus strand). Cytogenetic location: 9q34.3.
Variant type: single nucleotide variant.
Coding change: c.4222G>A on transcript NM_000718.4 (MANE Select); coding-DNA position 4222, G replaced by A.
Protein change: p.Val1408Ile; replaces valine 1408 with isoleucine.
Molecular consequence: missense variant.
Genome position (GRCh38, 1-based): chr9:138,058,164, G>A. VCF-style: chr9-138058164-G-A. GRCh37 (hg19) VCF-style: chr9-140952616-G-A.
Other names: c.4222G>A, p.Val1408Ile (NM_001243812.2); short protein forms V1408I.
Identifiers: ClinVar variation 3684393 (VCV003684393.2).

ClinVar aggregate classification (germline): Uncertain significance (1 of 4 stars; one submission).

gnomAD v4.1: 2 of 1,613,804 alleles (0.00012%); no homozygotes.

Submission:

Labcorp Genetics (formerly Invitae), Labcorp
Classification: Uncertain significance. Last evaluated: 2025-09-27. Review status: criteria provided, single submitter. Criteria: Invitae Variant Classification Sherloc (09022015). Collection method: clinical testing. Allele origin: germline.
Comment: This sequence change replaces valine, which is neutral and non-polar, with isoleucine, which is neutral and non-polar, at codon 1408 of the CACNA1B protein (p.Val1408Ile). This variant is present in population databases (rs776836911, gnomAD 0.0009%). This variant has not been reported in the literature in individuals affected with CACNA1B-related conditions. ClinVar contains an entry for this variant (Variation ID: 3684393). Invitae Evidence Modeling of protein sequence and biophysical properties (such as structural, functional, and spatial information, amino acid conservation, physicochemical variation, residue mobility, and thermodynamic stability) indicates that this missense variant is expected to disrupt CACNA1B protein function with a positive predictive value of 80%. In summary, the available evidence is currently insufficient to determine the role of this variant in disease. Therefore, it has been classified as a Variant of Uncertain Significance.